The following is an entry in ClinVar:

ClinVar aggregate classification (germline): Uncertain significance. Review status: criteria provided, multiple submitters, no conflicts (2 of 4 stars). 5 submissions from 5 submitters: Uncertain significance (5). Last evaluated 2025-06-21.

Conditions:
Usher syndrome type 3B. Also called: USHER SYNDROME, TYPE IIIB. Identifiers: MedGen C3281066, MONDO:0013788, OMIM 614504.

Submissions (5):

GeneDx
Classification: Uncertain significance. Last evaluated: 2025-06-21. Review status: criteria provided, single submitter. Criteria: GeneDx Variant Classification Process June 2021. Collection method: clinical testing. Allele origin: germline. Affected: yes.
Comment: Not observed at significant frequency in large population cohorts (gnomAD); In-frame deletion of 4 amino acids in a non-repeat region; Has not been previously published as pathogenic or benign to our knowledge

Labcorp Genetics (formerly Invitae), Labcorp
Classification: Uncertain significance for Usher syndrome type 3B. Last evaluated: 2023-09-10. Review status: criteria provided, single submitter. Criteria: Invitae Variant Classification Sherloc (09022015). Collection method: clinical testing. Allele origin: germline.
Comment: In summary, the available evidence is currently insufficient to determine the role of this variant in disease. Therefore, it has been classified as a Variant of Uncertain Significance. Experimental studies and prediction algorithms are not available or were not evaluated, and the functional significance of this variant is currently unknown. ClinVar contains an entry for this variant (Variation ID: 199074). This variant has not been reported in the literature in individuals affected with HARS-related conditions. This variant is not present in population databases (gnomAD no frequency). This variant, c.911_922del, results in the deletion of 4 amino acid(s) of the HARS protein (p.Leu304_Glu307del), but otherwise preserves the integrity of the reading frame.

Ambry Genetics
Classification: Uncertain significance. Last evaluated: 2023-03-20. Review status: criteria provided, single submitter. Criteria: Ambry Variant Classification Scheme 2023. Collection method: clinical testing. Allele origin: germline.
Comment: The c.911_922del12 (p.L304_E307del) alteration is located in exon 9 (coding exon 9) of the HARS gene. This alteration consists of an in-frame deletion of 12 nucleotides between nucleotide positions c.911 and c.922, resulting in the deletion of <NA> residues. Based on insufficient or conflicting evidence, the clinical significance of this alteration remains unclear.

Blueprint Genetics
Classification: Uncertain significance. Last evaluated: 2021-09-14. Review status: criteria provided, single submitter. Criteria: ACMG Guidelines, 2015. Collection method: clinical testing. Allele origin: germline.

Eurofins Ntd Llc (ga)
Classification: Uncertain significance. Last evaluated: 2014-10-21. Review status: criteria provided, single submitter. Criteria: EGL Classification Definitions 2015. Collection method: clinical testing. Allele origin: germline. Observed: 2 variant alleles, 2 heterozygotes.

NM_002109.6(HARS1):c.911_922del (p.Leu304_Glu307del)

Gene: HARS1 (histidyl-tRNA synthetase 1; minus strand). Cytogenetic location: 5q31.3.
Variant type: Deletion.
Coding change: c.911_922del on transcript NM_002109.6 (MANE Select); coding-DNA positions 911 to 922, 12 bases deleted (TGCTCTTTGAGT).
Protein change: p.Leu304_Glu307del.
Molecular consequence: inframe deletion.
Genome position (GRCh38, 1-based): chr5:140,677,018-140,677,029, ACTCAAAGAGCA deleted on the plus strand (TGCTCTTTGAGT on the coding strand, the reverse complement: HARS1 is on the minus strand); deleting any 12 consecutive bases within chr5:140,677,018-140,677,032 gives the same sequence; the c. name uses the placement nearest the transcript's 3' end. VCF-style (leftmost placement, unchanged base first): chr5-140677017-TACTCAAAGAGCA-T. GRCh37 (hg19) VCF-style: chr5-140056602-TACTCAAAGAGCA-T.
Other names: c.791_802del, p.Leu264_Glu267del (NM_001258040.3); c.851_862del, p.Leu284_Glu287del (NM_001258041.3); c.731_742del, p.Leu244_Glu247del (NM_001258042.3); c.689_700del, p.Leu230_Glu233del (NM_001289092.2); c.569_580del, p.Leu190_Glu193del (NM_001289093.2); c.824_835del, p.Leu275_Glu278del (NM_001289094.2); c.911_922del (NM_002109.5); c.911_922del12 (NM_002109.3).
Identifiers: ClinVar variation 199074 (VCV000199074.17), dbSNP rs794727969, ClinGen allele CA248073.